The following is an entry in ClinVar:

NM_000216.4(ANOS1):c.797T>G (p.Val266Gly)

Gene: ANOS1 (anosmin 1; minus strand). Cytogenetic location: Xp22.31.
Variant type: single nucleotide variant.
Coding change: c.797T>G on transcript NM_000216.4 (MANE Select); coding-DNA position 797, T replaced by G.
Protein change: p.Val266Gly; replaces valine 266 with glycine.
Molecular consequence: missense variant.
Genome position (GRCh38, 1-based): chrX:8,585,326, A>C on the plus strand (T>G on the coding strand, the complement: ANOS1 is on the minus strand). VCF-style: chrX-8585326-A-C. GRCh37 (hg19) VCF-style: chrX-8553367-A-C.
Other names: c.797T>G, p.Val266Gly (NM_001440775.1); short protein forms V266G.
Identifiers: ClinVar variation 5001230 (VCV005001230.1).
Genomic context (GRCh38, chrX:8,585,326, plus strand): 5'-CCTTTGGAAGAACGGAAGTGTTTGCTGGGGGCAGTGAAGCCTCGAGTTCCATGCACATTC[A>C]CAGCAGCCACTCGAAACTGGTACCATCGGCTGGGTCTTATGTCAGTCAGTTGAACTCGCT-3'
Protein context (NP_000207.2, residues 256-276): SRWYQFRVAA[Val266Gly]NVHGTRGFTA

ClinVar aggregate classification (germline): Uncertain significance (1 of 4 stars; one submission).

Conditions:
ANOS1-related disorder. Also called: ANOS1-related condition.

Submission:

PreventionGenetics, part of Exact Sciences
Classification: Uncertain significance for ANOS1-related condition. Last evaluated: 2025-05-20. Review status: criteria provided, single submitter. Criteria: ACMG Guidelines, 2015. Collection method: clinical testing. Allele origin: germline.
Comment: The ANOS1 c.797T>G variant is predicted to result in the amino acid substitution p.Val266Gly. To our knowledge, this variant has not been reported in the literature or in a large population database (gnomAD), indicating this variant is rare. At this time, the clinical significance of this variant is uncertain due to the absence of conclusive functional and genetic evidence.